The following is an entry in ClinVar:

ClinVar aggregate classification (germline): Uncertain significance (1 of 4 stars; one submission).

Submission:

Labcorp Genetics (formerly Invitae), Labcorp
Classification: Uncertain significance. Last evaluated: 2026-01-13. Review status: criteria provided, single submitter. Criteria: Invitae Variant Classification Sherloc (09022015). Collection method: clinical testing. Allele origin: germline.
Comment: This sequence change replaces threonine, which is neutral and polar, with alanine, which is neutral and non-polar, at codon 112 of the EMC1 protein (p.Thr112Ala). This variant is not present in population databases (gnomAD no frequency). This variant has not been reported in the literature in individuals affected with EMC1-related conditions. Invitae Evidence Modeling of protein sequence and biophysical properties (such as structural, functional, and spatial information, amino acid conservation, physicochemical variation, residue mobility, and thermodynamic stability) indicates that this missense variant is not expected to disrupt EMC1 protein function with a negative predictive value of 80%. In summary, the available evidence is currently insufficient to determine the role of this variant in disease. Therefore, it has been classified as a Variant of Uncertain Significance.

NM_015047.3(EMC1):c.334A>G (p.Thr112Ala)

Gene: EMC1 (ER membrane protein complex subunit 1; minus strand). Cytogenetic location: 1p36.13.
Variant type: single nucleotide variant.
Coding change: c.334A>G on transcript NM_015047.3 (MANE Select); coding-DNA position 334, A replaced by G.
Protein change: p.Thr112Ala; replaces threonine 112 with alanine.
Molecular consequence: missense variant.
Genome position (GRCh38, 1-based): chr1:19,243,660, T>C on the plus strand (A>G on the coding strand, the complement: EMC1 is on the minus strand). VCF-style: chr1-19243660-T-C. GRCh37 (hg19) VCF-style: chr1-19570154-T-C.
Other names: c.334A>G, p.Thr112Ala (NM_001271427.2, NM_001271428.2, NM_001375820.1 and 1 more transcripts); c.268A>G, p.Thr90Ala (NM_001271429.2); short protein forms T112A, T90A.
Identifiers: ClinVar variation 4745734 (VCV004745734.1).